The following is an entry in ClinVar:

ClinVar aggregate classification (germline): Uncertain significance. Review status: criteria provided, single submitter (1 of 4 stars). 2 submissions from 2 submitters: Uncertain significance (1). 1 of the submissions does not count toward it. Last evaluated 2023-04-13.

Conditions:
Cryopyrin associated periodic syndrome (CAPS). Identifiers: Orphanet 208650, MedGen C2316212, MONDO:0016168.
Familial cold autoinflammatory syndrome 1 (FCAS1). Also called: Familial cold inflammatory syndrome 1; CRYOPYRIN-ASSOCIATED PERIODIC SYNDROME 1. Identifiers: Orphanet 47045, MedGen C4551895, MONDO:0007349, OMIM 120100.

Allele frequency attached by ClinVar (database versions not stated): gnomAD exomes below 0.00001.

Submissions (2):

Labcorp Genetics (formerly Invitae), Labcorp
Classification: Uncertain significance for Cryopyrin associated periodic syndrome. Last evaluated: 2023-04-13. Review status: criteria provided, single submitter. Criteria: Invitae Variant Classification Sherloc (09022015). Collection method: clinical testing. Allele origin: germline.
Comment: In summary, the available evidence is currently insufficient to determine the role of this variant in disease. Therefore, it has been classified as a Variant of Uncertain Significance. Studies have shown that this missense change alters NLRP3 gene expression (PMID: 20506209). Advanced modeling of protein sequence and biophysical properties (such as structural, functional, and spatial information, amino acid conservation, physicochemical variation, residue mobility, and thermodynamic stability) has been performed at Invitae for this missense variant, however the output from this modeling did not meet the statistical confidence thresholds required to predict the impact of this variant on NLRP3 protein function. ClinVar contains an entry for this variant (Variation ID: 97977). This variant is also known as M299V. This missense change has been observed in individual(s) with clinical features of NLRP3-related conditions (PMID: 20506209). This variant is not present in population databases (gnomAD no frequency). This sequence change replaces methionine, which is neutral and non-polar, with valine, which is neutral and non-polar, at codon 301 of the NLRP3 protein (p.Met301Val).

Unité médicale des maladies autoinflammatoires, CHRU Montpellier
No classification provided. Condition: Familial cold urticaria. Review status: no classification provided. Collection method: not provided. Allele origin: unknown. Not counted in ClinVar's aggregate classification.
Comment: also involved in OMIM 191900 and 607115

Literature cited by the submitters: PubMed 20506209 (cited by Labcorp Genetics (formerly Invitae), Labcorp).

NM_001243133.2(NLRP3):c.895A>G (p.Met299Val)

Gene: NLRP3 (NLR family pyrin domain containing 3; plus strand). Cytogenetic location: 1q44.
Variant type: single nucleotide variant.
Coding change: c.895A>G on transcript NM_001243133.2 (MANE Select); coding-DNA position 895, A replaced by G.
Protein change: p.Met299Val; replaces methionine 299 with valine.
Molecular consequence: missense variant.
Genome position (GRCh38, 1-based): chr1:247,424,344, A>G. VCF-style: chr1-247424344-A-G. GRCh37 (hg19) VCF-style: chr1-247587646-A-G.
Other names: c.895A>G, p.Met299Val (NM_001079821.3, NM_001127461.3, NM_001127462.3 and 1 more transcripts); c.901A>G, p.Met301Val (NM_004895.5); short protein forms M301V, M299V.
Identifiers: ClinVar variation 97977 (VCV000097977.4), dbSNP rs180177494, ClinGen allele CA281383.